The following is an entry in ClinVar:

NM_001195553.2(DCX):c.414_415insG (p.Thr139fs)

Gene: DCX (doublecortin; minus strand). Cytogenetic location: Xq23.
Variant type: Insertion.
Coding change: c.414_415insG on transcript NM_001195553.2 (MANE Select); coding-DNA positions 414 to 415, G inserted.
Protein change: p.Thr139fs; shifts the reading frame from threonine 139.
Molecular consequence: frameshift variant.
Genome position: GRCh38 VCF-style: chrX-111401280-T-TC. GRCh37 (hg19) VCF-style: chrX-110644508-T-TC.
Other names: c.657_658insG, p.Thr220fs (NM_000555.3); c.414_415insG, p.Thr139fs (NM_001369370.1, NM_001369371.1, NM_001369372.1 and 5 more transcripts); short protein forms T139fs, T220fs.
Identifiers: ClinVar variation 1446866 (VCV001446866.6), dbSNP rs2147263289, ClinGen allele CA2573159135.

ClinVar aggregate classification (germline): Pathogenic (1 of 4 stars; one submission).

Submission:

Labcorp Genetics (formerly Invitae), Labcorp
Classification: Pathogenic. Last evaluated: 2021-09-03. Review status: criteria provided, single submitter. Criteria: Invitae Variant Classification Sherloc (09022015). Collection method: clinical testing. Allele origin: germline.
Comment: This sequence change creates a premature translational stop signal (p.Thr139Aspfs*26) in the DCX gene. It is expected to result in an absent or disrupted protein product. Loss-of-function variants in DCX are known to be pathogenic (PMID: 11175293, 23365099). This variant is not present in population databases (ExAC no frequency). This variant has not been reported in the literature in individuals affected with DCX-related conditions. For these reasons, this variant has been classified as Pathogenic.

Literature cited by the submitters: PubMed 11175293; PubMed 23365099.